The following is an entry in ClinVar:

NM_004006.3(DMD):c.10652A>G (p.Gln3551Arg)

Gene: DMD (dystrophin; minus strand). Cytogenetic location: Xp21.2.
Variant type: single nucleotide variant.
Coding change: c.10652A>G on transcript NM_004006.3 (MANE Select); coding-DNA position 10652, A replaced by G.
Protein change: p.Gln3551Arg; replaces glutamine 3551 with arginine.
Molecular consequence: missense variant.
Genome position (GRCh38, 1-based): chrX:31,147,420, T>C on the plus strand (A>G on the coding strand, the complement: DMD is on the minus strand). VCF-style: chrX-31147420-T-C. GRCh37 (hg19) VCF-style: chrX-31165537-T-C.
Other names: c.10628A>G, p.Gln3543Arg (NM_000109.4); c.10640A>G, p.Gln3547Arg (NM_004009.3); c.10283A>G, p.Gln3428Arg (NM_004010.3); c.6629A>G, p.Gln2210Arg (NM_004011.4); c.6620A>G, p.Gln2207Arg (NM_004012.4); c.3272A>G, p.Gln1091Arg (NM_004013.3, NM_004021.3); c.2465A>G, p.Gln822Arg (NM_004014.3); c.1448A>G, p.Gln483Arg (NM_004015.3, NM_004016.3); and 3 more; short protein forms Q2207R, Q1091R, Q3547R, Q470R, Q1078R, Q483R, Q822R, Q981R.
Identifiers: ClinVar variation 1781382 (VCV001781382.2), dbSNP rs2519443020, ClinGen allele CA412649304.

ClinVar aggregate classification (germline): Uncertain significance (1 of 4 stars; one submission).

Conditions:
Cardiovascular phenotype. Identifiers: MedGen CN230736.

Allele frequency attached by ClinVar (database versions not stated): gnomAD exomes below 0.00001.
gnomAD v4.1: 1 of 1,207,864 alleles (0.000083%); highest among the groups gnomAD compares: Non-Finnish European, 0.00011%; no homozygotes.

Submission:

Ambry Genetics
Classification: Uncertain significance for Cardiovascular phenotype. Last evaluated: 2019-06-26. Review status: criteria provided, single submitter. Criteria: Ambry Variant Classification Scheme 2023. Collection method: clinical testing. Allele origin: germline.
Comment: The p.Q3551R variant (also known as c.10652A>G), located in coding exon 75 of the DMD gene, results from an A to G substitution at nucleotide position 10652. The glutamine at codon 3551 is replaced by arginine, an amino acid with highly similar properties. This amino acid position is well conserved in available vertebrate species. In addition, the in silico prediction for this alteration is inconclusive. Since supporting evidence is limited at this time, the clinical significance of this alteration remains unclear.